The following is an entry in ClinVar:

NM_005732.4(RAD50):c.1632C>G (p.Asp544Glu)

Gene: RAD50 (RAD50 double strand break repair protein; plus strand). Cytogenetic location: 5q31.1.
Variant type: single nucleotide variant.
Coding change: c.1632C>G on transcript NM_005732.4 (MANE Select); coding-DNA position 1632, C replaced by G.
Protein change: p.Asp544Glu; replaces aspartic acid 544 with glutamic acid.
Molecular consequence: missense variant.
Genome position (GRCh38, 1-based): chr5:132,591,403, C>G. VCF-style: chr5-132591403-C-G. GRCh37 (hg19) VCF-style: chr5-131927095-C-G.
Other names: short protein forms D544E.
Identifiers: ClinVar variation 484639 (VCV000484639.14), dbSNP rs1554098427, ClinGen allele CA360946205.

ClinVar aggregate classification (germline): Uncertain significance. Review status: criteria provided, multiple submitters, no conflicts (2 of 4 stars). 2 submissions from 2 submitters: Uncertain significance (2). Last evaluated 2023-01-21.

Conditions:
Hereditary cancer-predisposing syndrome. Also called: Neoplastic Syndromes, Hereditary; Tumor predisposition; Hereditary Cancer Syndrome; Hereditary neoplastic syndrome. Identifiers: Orphanet 140162, MedGen C0027672, MeSH D009386, MONDO:0015356.

Allele frequency attached by ClinVar (database versions not stated): gnomAD exomes below 0.00001.
gnomAD v4.1: 1 of 1,612,572 alleles (0.000062%); highest among the groups gnomAD compares: Middle Eastern, 0.017%; no homozygotes.

Submissions (2):

Ambry Genetics
Classification: Uncertain significance for Hereditary cancer-predisposing syndrome. Last evaluated: 2023-01-21. Review status: criteria provided, single submitter. Criteria: Ambry Variant Classification Scheme 2023. Collection method: clinical testing. Allele origin: germline.
Comment: The p.D544E variant (also known as c.1632C>G), located in coding exon 10 of the RAD50 gene, results from a C to G substitution at nucleotide position 1632. The aspartic acid at codon 544 is replaced by glutamic acid, an amino acid with highly similar properties. This amino acid position is well conserved in available vertebrate species. In addition, this alteration is predicted to be tolerated by in silico analysis. Since supporting evidence is limited at this time, the clinical significance of this alteration remains unclear.

Labcorp Genetics (formerly Invitae), Labcorp
Classification: Uncertain significance for Hereditary cancer-predisposing syndrome. Last evaluated: 2022-02-18. Review status: criteria provided, single submitter. Criteria: Invitae Variant Classification Sherloc (09022015). Collection method: clinical testing. Allele origin: germline.
Comment: This sequence change replaces aspartic acid, which is acidic and polar, with glutamic acid, which is acidic and polar, at codon 544 of the RAD50 protein (p.Asp544Glu). This variant is not present in population databases (gnomAD no frequency). This variant has not been reported in the literature in individuals affected with RAD50-related conditions. ClinVar contains an entry for this variant (Variation ID: 484639). Algorithms developed to predict the effect of missense changes on protein structure and function (SIFT, PolyPhen-2, Align-GVGD) all suggest that this variant is likely to be tolerated. In summary, the available evidence is currently insufficient to determine the role of this variant in disease. Therefore, it has been classified as a Variant of Uncertain Significance.